The following is an entry in ClinVar:

ClinVar aggregate classification (germline): Likely pathogenic (1 of 4 stars; one submission).

Conditions:
46 XY differences of sex development. Also called: 46, XY disorder of sex development (DSD); 46,XY disorder of sex development. Identifiers: Orphanet 98085, MedGen C2751824, MONDO:0020040.

Submission:

Seattle Children's Hospital Molecular Genetics Laboratory, Seattle Children's Hospital
Classification: Likely pathogenic for 46 XY differences of sex development. Last evaluated: 2021-07-06. Review status: criteria provided, single submitter. Criteria: ACMG Guidelines, 2015. Collection method: clinical testing. Allele origin: unknown. Inheritance: Autosomal dominant inheritance. Affected: yes.
Comment: A hemizygous, likely pathogenic variant was identified in the SRY gene (NM_003140.2:c.196G>C, p.Ala66Pro). This variant has not been observed in large population databases (Genome Aggregation Database v2.1.1). The p.Ala66Pro variant substitutes the alanine with proline at position 66 of the protein. This highly conserved residue is located in the high mobility group (HMG) box domains that is responsible for binding DNA, and may be involved in protein-protein interactions (UniProt Q05066). Experimental studies have shown that several pathogenic missense variants in this region reduce the binding capacity of SRY to DNA sequences. There is also evidence that missense changes in this region impair nuclear localization. There is consensus among in silico tools that the p.Ala66Pro change is damaging to protein function, but these predictions have not been confirmed by functional studies. Based on ACMG guidelines, this variant is classified as likely pathogenic.

Literature cited by the submitters: PubMed 29378242; PubMed 8353496; NCBI Bookshelf 1547.

NM_003140.3(SRY):c.196G>C (p.Ala66Pro)

Gene: SRY (sex determining region Y; minus strand). Cytogenetic location: Yp11.2.
Variant type: single nucleotide variant.
Coding change: c.196G>C on transcript NM_003140.3 (MANE Select); coding-DNA position 196, G replaced by C.
Protein change: p.Ala66Pro; replaces alanine 66 with proline.
Molecular consequence: missense variant.
Genome position (GRCh38, 1-based): chrY:2,787,408, C>G on the plus strand (G>C on the coding strand, the complement: SRY is on the minus strand). VCF-style: chrY-2787408-C-G. GRCh37 (hg19) VCF-style: chrY-2655449-C-G.
Other names: short protein forms A66P.
Identifiers: ClinVar variation 1177296 (VCV001177296.1), dbSNP rs2124486291, ClinGen allele CA414941576.
Genomic context (GRCh38, chrY:2,787,408, plus strand): 5'-GCATTCTGGGATTCTCTAGAGCCATCTTGCGCCTCTGATCGCGAGACCACACGATGAATG[C>G]GTTCATGGGTCGCTTCACTCTATCCTGGACGTTGCCTTTACTGTTTTCTCCCGTTTCACA-3'
Protein context (NP_003131.1, residues 56-76): VQDRVKRPMN[Ala66Pro]FIVWSRDQRR